The following is an entry in ClinVar:

ClinVar aggregate classification (germline): Uncertain significance. Review status: criteria provided, multiple submitters, no conflicts (2 of 4 stars). 3 submissions from 3 submitters: Uncertain significance (3). Last evaluated 2025-10-21.

Conditions:
Cardiomyopathy (CMYO). Also called: Cardiomyopathies. Identifiers: Orphanet 167848, MedGen C0878544, MONDO:0004994, HP:0001638. Inheritance: Various modes of inheritance.
Catecholaminergic polymorphic ventricular tachycardia 1. Also called: RYR2-Related Catecholaminergic Polymorphic Ventricular Tachycardia; VENTRICULAR TACHYCARDIA, STRESS-INDUCED POLYMORPHIC 1; VENTRICULAR TACHYCARDIA, CATECHOLAMINERGIC POLYMORPHIC, 1, WITH OR WITHOUT ATRIAL DYSFUNCTION AND/OR DILATED CARDIOMYOPATHY. Identifiers: Orphanet 3286, MedGen C1631597, MONDO:0011484, OMIM 604772.

Allele frequency attached by ClinVar (database versions not stated): gnomAD exomes below 0.00001.
gnomAD v4.1: 4 of 1,583,260 alleles (0.00025%); highest among the groups gnomAD compares: East Asian, 0.0023%; no homozygotes.

Submissions (3):

Labcorp Genetics (formerly Invitae), Labcorp
Classification: Uncertain significance for Catecholaminergic polymorphic ventricular tachycardia 1. Last evaluated: 2025-10-21. Review status: criteria provided, single submitter. Criteria: Invitae Variant Classification Sherloc (09022015). Collection method: clinical testing. Allele origin: germline.
Comment: This sequence change replaces methionine, which is neutral and non-polar, with valine, which is neutral and non-polar, at codon 2843 of the RYR2 protein (p.Met2843Val). The frequency data for this variant in the population databases is considered unreliable, as metrics indicate poor data quality at this position in the gnomAD database. This variant has not been reported in the literature in individuals affected with RYR2-related conditions. ClinVar contains an entry for this variant (Variation ID: 926483). Invitae Evidence Modeling of protein sequence and biophysical properties (such as structural, functional, and spatial information, amino acid conservation, physicochemical variation, residue mobility, and thermodynamic stability) indicates that this missense variant is not expected to disrupt RYR2 protein function with a negative predictive value of 95%. In summary, the available evidence is currently insufficient to determine the role of this variant in disease. Therefore, it has been classified as a Variant of Uncertain Significance.

Color Diagnostics, LLC DBA Color Health
Classification: Uncertain significance for Cardiomyopathy. Last evaluated: 2024-03-07. Review status: criteria provided, single submitter. Criteria: ACMG Guidelines, 2015. Collection method: clinical testing. Allele origin: germline.
Comment: This missense variant replaces methionine with valine at codon 2843 of the RYR2 protein. Computational prediction tool suggests that this variant may not impact protein structure and function (internally defined REVEL score threshold <=0.5, PMID: 27666373). Splice site prediction tools suggest that this variant may not impact RNA splicing. To our knowledge, functional studies have not been performed for this variant. This variant has not been reported in individuals affected with cardiovascular disorders in the literature. This variant has been identified in 1/206356 chromosomes in the general population by the Genome Aggregation Database (gnomAD). The available evidence is insufficient to determine the role of this variant in disease conclusively. Therefore, this variant is classified as a Variant of Uncertain Significance.

Blueprint Genetics
Classification: Uncertain significance. Last evaluated: 2020-07-08. Review status: criteria provided, single submitter. Criteria: ACMG Guidelines, 2015. Collection method: clinical testing. Allele origin: germline.

NM_001035.3(RYR2):c.8527A>G (p.Met2843Val)

Gene: RYR2 (ryanodine receptor 2; plus strand). Cytogenetic location: 1q43.
Variant type: single nucleotide variant.
Coding change: c.8527A>G on transcript NM_001035.3 (MANE Select); coding-DNA position 8527, A replaced by G.
Protein change: p.Met2843Val; replaces methionine 2843 with valine.
Molecular consequence: missense variant.
Genome position (GRCh38, 1-based): chr1:237,667,895, A>G. VCF-style: chr1-237667895-A-G. GRCh37 (hg19) VCF-style: chr1-237831195-A-G.
Other names: short protein forms M2843V.
Identifiers: ClinVar variation 926483 (VCV000926483.6), dbSNP rs1479028509, ClinGen allele CA345402386.